The following is an entry in ClinVar:

NM_000548.5(TSC2):c.4928A>G (p.Asn1643Ser)

Gene: TSC2 (TSC complex subunit 2; plus strand). Cytogenetic location: 16p13.3.
Variant type: single nucleotide variant.
Coding change: c.4928A>G on transcript NM_000548.5 (MANE Select); coding-DNA position 4928, A replaced by G.
Protein change: p.Asn1643Ser; replaces asparagine 1643 with serine.
Molecular consequence: missense variant.
Genome position (GRCh38, 1-based): chr16:2,086,810, A>G. VCF-style: chr16-2086810-A-G. GRCh37 (hg19) VCF-style: chr16-2136811-A-G.
Other names: c.4727A>G, p.Asn1576Ser (NM_001077183.3); c.4859A>G, p.Asn1620Ser (NM_001114382.3); c.4619A>G, p.Asn1540Ser (NM_001318827.2); c.4583A>G, p.Asn1528Ser (NM_001318829.2); c.4196A>G, p.Asn1399Ser (NM_001318831.2); c.4760A>G, p.Asn1587Ser (NM_001318832.2); c.4730A>G, p.Asn1577Ser (NM_001363528.2); c.4796A>G, p.Asn1599Ser (NM_001370404.1); and 1 more; short protein forms N1643S, N1576S, N1600S, N1399S, N1528S, N1540S, N1577S, N1587S.
Identifiers: ClinVar variation 65236 (VCV000065236.2), dbSNP rs45517380, ClinGen allele CA021305.

ClinVar aggregate classification (germline): Likely pathogenic. Review status: criteria provided, single submitter (1 of 4 stars). 2 submissions from 2 submitters: Likely pathogenic (1). 1 of the submissions does not count toward it. Last evaluated 2026-01-31.

Conditions:
Tuberous sclerosis 2 (TSC2). Identifiers: Orphanet 805, MedGen C1860707, MONDO:0013199, OMIM 613254.
Tuberous sclerosis syndrome (TSC). Also called: Tuberous Sclerosis Complex; Tuberous sclerosis. Identifiers: Orphanet 805, MedGen C0041341, MONDO:0001734.

Submissions (2):

Labcorp Genetics (formerly Invitae), Labcorp
Classification: Likely pathogenic for Tuberous sclerosis 2. Last evaluated: 2026-01-31. Review status: criteria provided, single submitter. Criteria: Invitae Variant Classification Sherloc (09022015). Collection method: clinical testing. Allele origin: germline.
Comment: This sequence change replaces asparagine, which is neutral and polar, with serine, which is neutral and polar, at codon 1643 of the TSC2 protein (p.Asn1643Ser). This variant is not present in population databases (gnomAD no frequency). This missense change has been observed in individual(s) with tuberous sclerosis complex (PMID: 28288225). This variant is also known as p.Asn1620Ser. ClinVar contains an entry for this variant (Variation ID: 65236). Invitae Evidence Modeling of protein sequence and biophysical properties (such as structural, functional, and spatial information, amino acid conservation, physicochemical variation, residue mobility, and thermodynamic stability) indicates that this missense variant is expected to disrupt TSC2 protein function with a positive predictive value of 80%. Experimental studies have shown that this missense change affects TSC2 function (PMID: 21332470). This variant disrupts the p.Asn1643 amino acid residue in TSC2. Other variant(s) that disrupt this residue have been observed in individuals with TSC2-related conditions (PMID: 11521203, 35918040), which suggests that this may be a clinically significant amino acid residue. In summary, the currently available evidence indicates that the variant is pathogenic, but additional data are needed to prove that conclusively. Therefore, this variant has been classified as Likely Pathogenic.

Tuberous sclerosis database (TSC2)
No classification provided. Condition: TSC. Review status: no classification provided. Criteria: Tuberous Sclerosis Database Assertion Criteria 2015. Collection method: curation. Allele origin: germline. Affected: yes. Not counted in ClinVar's aggregate classification.

Literature cited by the submitters: PubMed 28288225 (cited by Labcorp Genetics (formerly Invitae), Labcorp); PubMed 21332470 (cited by Labcorp Genetics (formerly Invitae), Labcorp); PubMed 11521203 (cited by Labcorp Genetics (formerly Invitae), Labcorp); PubMed 35918040 (cited by Labcorp Genetics (formerly Invitae), Labcorp).